The following is an entry in ClinVar:

ClinVar aggregate classification (germline): Likely pathogenic. Review status: criteria provided, multiple submitters, no conflicts (2 of 4 stars). 2 submissions from 2 submitters: Likely pathogenic (2). Last evaluated 2024-10-17.

Conditions:
Primary hypomagnesemia (HOMG3). Also called: HYPOMAGNESEMIA 3, RENAL; HYPOMAGNESEMIA, FAMILIAL, WITH HYPERCALCIURIA AND NEPHROCALCINOSIS; HYPOMAGNESEMIA, ISOLATED RENAL; HYPOMAGNESEMIA, PRIMARY, DUE TO DEFECT IN RENAL TUBULAR TRANSPORT OF MAGNESIUM. Identifiers: Orphanet 31043, MedGen C0268448, MONDO:0009550, OMIM 248250.

Allele frequency attached by ClinVar (database versions not stated): gnomAD exomes below 0.00001.
gnomAD v4.1: 2 of 1,606,480 alleles (0.00012%); highest among the groups gnomAD compares: Non-Finnish European, 0.000085%; no homozygotes.

Submissions (2):

Labcorp Genetics (formerly Invitae), Labcorp
Classification: Likely pathogenic. Last evaluated: 2024-10-17. Review status: criteria provided, single submitter. Criteria: Invitae Variant Classification Sherloc (09022015). Collection method: clinical testing. Allele origin: germline.
Comment: This sequence change affects a donor splice site in intron 2 of the CLDN16 gene. It is expected to disrupt RNA splicing. Variants that disrupt the donor or acceptor splice site typically lead to a loss of protein function (PMID: 16199547), and loss-of-function variants in CLDN16 are known to be pathogenic (PMID: 10390358, 10878661, 18003771, 25852890). This variant is not present in population databases (gnomAD no frequency). This variant has not been reported in the literature in individuals affected with CLDN16-related conditions. ClinVar contains an entry for this variant (Variation ID: 1523476). Algorithms developed to predict the effect of sequence changes on RNA splicing suggest that this variant may disrupt the consensus splice site. In summary, the currently available evidence indicates that the variant is pathogenic, but additional data are needed to prove that conclusively. Therefore, this variant has been classified as Likely Pathogenic.

Fulgent Genetics
Classification: Likely pathogenic for Primary hypomagnesemia. Last evaluated: 2024-03-23. Review status: criteria provided, single submitter. Criteria: ACMG Guidelines, 2015. Collection method: clinical testing. Allele origin: germline.

Literature cited by the submitters: PubMed 16199547 (cited by Labcorp Genetics (formerly Invitae), Labcorp); PubMed 10390358 (cited by Labcorp Genetics (formerly Invitae), Labcorp); PubMed 10878661 (cited by Labcorp Genetics (formerly Invitae), Labcorp); PubMed 18003771 (cited by Labcorp Genetics (formerly Invitae), Labcorp); PubMed 25852890 (cited by Labcorp Genetics (formerly Invitae), Labcorp).

NM_006580.4(CLDN16):c.217+1G>A

Gene: CLDN16 (claudin 16; plus strand). Cytogenetic location: 3q28.
Variant type: single nucleotide variant.
Coding change: c.217+1G>A on transcript NM_006580.4 (MANE Select); the canonical splice donor site of the intron after coding-DNA position 217, G replaced by A.
Molecular consequence: splice donor variant.
Genome position (GRCh38, 1-based): chr3:190,402,440, G>A. VCF-style: chr3-190402440-G-A. GRCh37 (hg19) VCF-style: chr3-190120229-G-A.
Other names: c.217+1G>A (NM_001378493.1, NM_001378492.1).
Identifiers: ClinVar variation 1523476 (VCV001523476.9), dbSNP rs1718987504, ClinGen allele CA355765852.